The following is an entry in ClinVar:

GRCh37/hg19 Xp22.31(chrX:6591135-9498909)x1

Genes: PNPLA4 (patatin like phospholipase domain containing 4; minus strand), PUDP (pseudouridine 5'-phosphatase; minus strand), ANOS1 (anosmin 1; minus strand), FAM9A (family with sequence similarity 9 member A; minus strand), FAM9B (family with sequence similarity 9 member B; minus strand) and 5 more. Cytogenetic location: Xp22.31.
Variant type: copy number loss.
Change: copy number 1 of chrX:6,591,135-9,498,909 (2.91 Mb, GRCh37 coordinates, 1-based), cytogenetic band Xp22.31.
Identifiers: ClinVar variation 2685692 (VCV002685692.1).

ClinVar aggregate classification (germline): Pathogenic (1 of 4 stars; one submission).

Submission:

Quest Diagnostics Nichols Institute San Juan Capistrano
Classification: Pathogenic. Last evaluated: 2023-01-05. Review status: criteria provided, single submitter. Criteria: ACMG/ClinGen CNV Guidelines, 2019. Collection method: clinical testing. Allele origin: unknown.
Comment: This copy number loss contains several protein-coding genes and overlaps the Xp22.31 microdeletion region, including genes STS (OMIM 300747) and ANOS1 (OMIM 300836). Together, loss of both of these genes is considered a contiguous gene deletion syndrome (Berges-Raso 2017, Ma 2020, Nagai 2017, Rehm 2015 (ISCA-37417)). Furthermore, missense and loss-of-function variants of TBL1X have been associated with variable presentation of hearing loss and/or hypothyroidism (Bassi 1999, Garcia 2018, Heinen 2016, Sugisawa 2019). There are no similar copy number losses of this region in the general populations of the Database of Genomic Variants. Thus, this copy number variant (CNV) is classified as pathogenic. References: Bassi et al., Am J Hum Genet. 1999 Jun;64(6):1604-16. PMID: 10330347 Berges-Raso et al., Endocrinol Diabetes Metab Case Rep. 2017 Sep 28;2017:EDM170083. PMID: 30352392 Garcia et al., J Endocr Soc. 2018 Nov 23;3(1):119-128. PMID: 30591955 Heinen et al., J Clin Endocrinol Metab. 2016 Dec;101(12):4564-4573. PMID: 27603907 Ma et al., Front Genet. 2020 Jun 24;11:596. PMID: 32670353 Nagai et al., Cytogenet Genome Res. 2017;151(1):1-4. PMID: 28253503 Rehm et al., N Engl J Med. 2015 Jun 4;372(23):2235-42. PMID: 26014595 (ISCA-37417) Sugisawa et al., J Clin Endocrinol Metab. 2019 Dec 1;104(12):6229-6237. PMID: 31504637